The following is an entry in ClinVar:

NM_006767.4(LZTR1):c.695C>T (p.Pro232Leu)

Gene: LZTR1 (leucine zipper like post translational regulator 1; plus strand). Cytogenetic location: 22q11.21.
Variant type: single nucleotide variant.
Coding change: c.695C>T on transcript NM_006767.4 (MANE Select); coding-DNA position 695, C replaced by T.
Protein change: p.Pro232Leu; replaces proline 232 with leucine.
Molecular consequence: missense variant.
Genome position (GRCh38, 1-based): chr22:20,990,429, C>T. VCF-style: chr22-20990429-C-T. GRCh37 (hg19) VCF-style: chr22-21344718-C-T.
Other names: short protein forms P232L.
Identifiers: ClinVar variation 3238325 (VCV003238325.3), dbSNP rs2518615732.

ClinVar aggregate classification (germline): Uncertain significance. Review status: criteria provided, multiple submitters, no conflicts (2 of 4 stars). 2 submissions from 2 submitters: Uncertain significance (2). Last evaluated 2026-05-22.

Conditions:
Cardiovascular phenotype. Identifiers: MedGen CN230736.
Hereditary cancer-predisposing syndrome. Also called: Neoplastic Syndromes, Hereditary; Tumor predisposition; Hereditary Cancer Syndrome; Hereditary neoplastic syndrome. Identifiers: Orphanet 140162, MedGen C0027672, MeSH D009386, MONDO:0015356.

Submissions (2):

GeneDx
Classification: Uncertain significance. Last evaluated: 2026-05-22. Review status: criteria provided, single submitter. Criteria: GeneDx Variant Classification Process June 2021. Collection method: clinical testing. Allele origin: germline.
Comment: Not observed at significant frequency in large population cohorts (gnomAD); In silico analysis supports that this missense variant has a deleterious effect on protein structure/function; Has not been previously published as pathogenic or benign to our knowledge

Ambry Genetics
Classification: Uncertain significance for Cardiovascular phenotype; Hereditary cancer-predisposing syndrome. Last evaluated: 2023-10-10. Review status: criteria provided, single submitter. Criteria: Ambry Variant Classification Scheme 2023. Collection method: clinical testing. Allele origin: germline.
Comment: The p.P232L variant (also known as c.695C>T), located in coding exon 8 of the LZTR1 gene, results from a C to T substitution at nucleotide position 695. The proline at codon 232 is replaced by leucine, an amino acid with similar properties. This amino acid position is conserved. In addition, the in silico prediction for this alteration is inconclusive. Since supporting evidence is limited at this time, the clinical significance of this alteration remains unclear.